The following is an entry in ClinVar:

ClinVar aggregate classification (germline): Uncertain significance. Review status: criteria provided, multiple submitters, no conflicts (2 of 4 stars). 6 submissions from 6 submitters: Uncertain significance (5). 1 of the submissions does not count toward it. Last evaluated 2025-10-15.

Conditions:
Hereditary cancer-predisposing syndrome. Also called: Hereditary neoplastic syndrome; Tumor predisposition; Neoplastic Syndromes, Hereditary; Hereditary Cancer Syndrome. Identifiers: Orphanet 140162, MedGen C0027672, MeSH D009386, MONDO:0015356.
Bloom syndrome (BLM). Also called: Bloom-Torre-Machacek syndrome. Identifiers: Orphanet 125, MedGen C0005859, MONDO:0008876, OMIM 210900.

Allele frequency attached by ClinVar (database versions not stated): TOPMed 0.00005; ESP Exome Variant Server 0.00015.
gnomAD v4.1: 6 of 1,612,464 alleles (0.00037%); highest among the groups gnomAD compares: African/African-American, 0.0067%; no homozygotes.

Submissions (6):

Quest Diagnostics Nichols Institute San Juan Capistrano
Classification: Uncertain significance. Last evaluated: 2025-10-15. Review status: criteria provided, single submitter. Criteria: Quest Diagnostics criteria. Collection method: clinical testing. Allele origin: unknown.
Comment: The BLM c.883G>T (p.Asp295Tyr) variant has not been reported in individuals with BLM-related conditions in the published literature. The frequency of this variant in the general population (Genome Aggregation Database) is uninformative in the assessment of its pathogenicity. Analysis of this variant using bioinformatics tools for the prediction of the effect of amino acid changes on protein structure and function yielded predictions that this variant is damaging. Based on the available information, we are unable to determine the clinical significance of this variant.

Ambry Genetics
Classification: Uncertain significance for Hereditary cancer-predisposing syndrome. Last evaluated: 2025-10-03. Review status: criteria provided, single submitter. Criteria: Ambry Variant Classification Scheme 2023. Collection method: clinical testing. Allele origin: germline.
Comment: The p.D295Y variant (also known as c.883G>T), located in coding exon 3 of the BLM gene, results from a G to T substitution at nucleotide position 883. The aspartic acid at codon 295 is replaced by tyrosine, an amino acid with highly dissimilar properties. This amino acid position is highly conserved in available vertebrate species. In addition, the in silico prediction for this alteration is inconclusive. Since supporting evidence is limited at this time, the clinical significance of this alteration remains unclear.

GeneDx
Classification: Uncertain significance. Last evaluated: 2024-12-31. Review status: criteria provided, single submitter. Criteria: GeneDx Variant Classification Process June 2021. Collection method: clinical testing. Allele origin: germline. Affected: yes.
Comment: In silico analysis supports that this missense variant has a deleterious effect on protein structure/function; Has not been previously published as pathogenic or benign to our knowledge

Labcorp Genetics (formerly Invitae), Labcorp
Classification: Uncertain significance for Bloom syndrome. Last evaluated: 2024-12-10. Review status: criteria provided, single submitter. Criteria: Invitae Variant Classification Sherloc (09022015). Collection method: clinical testing. Allele origin: germline.
Comment: This sequence change replaces aspartic acid, which is acidic and polar, with tyrosine, which is neutral and polar, at codon 295 of the BLM protein (p.Asp295Tyr). This variant is present in population databases (rs146096923, gnomAD 0.02%). This variant has not been reported in the literature in individuals affected with BLM-related conditions. ClinVar contains an entry for this variant (Variation ID: 570334). Invitae Evidence Modeling of protein sequence and biophysical properties (such as structural, functional, and spatial information, amino acid conservation, physicochemical variation, residue mobility, and thermodynamic stability) indicates that this missense variant is not expected to disrupt BLM protein function with a negative predictive value of 80%. In summary, the available evidence is currently insufficient to determine the role of this variant in disease. Therefore, it has been classified as a Variant of Uncertain Significance.

St. Jude Molecular Pathology, St. Jude Children's Research Hospital
Classification: Uncertain significance for Bloom syndrome. Last evaluated: 2023-12-19. Review status: criteria provided, single submitter. Criteria: St. Jude Assertion Criteria 2020. Collection method: clinical testing. Allele origin: germline.
Comment: The BLM c.883G>T (p.Asp295Tyr) missense change has a maximum subpopulation frequency of 0.02% in gnomAD v2.1.1. The in silico tool REVEL predicts a benign effect on protein function, but to our knowledge this prediction has not been confirmed by functional studies. To our knowledge, this variant has not been reported in individuals with Bloom syndrome. In summary, the evidence currently available is insufficient to determine the clinical significance of this variant. It has therefore been classified as of uncertain significance.

Natera, Inc.
Classification: Uncertain significance for Bloom syndrome. Last evaluated: 2018-10-06. Review status: no assertion criteria provided. Collection method: clinical testing. Allele origin: germline. Not counted in ClinVar's aggregate classification.

NM_000057.4(BLM):c.883G>T (p.Asp295Tyr)

Gene: BLM (BLM RecQ like helicase; plus strand). Cytogenetic location: 15q26.1.
Variant type: single nucleotide variant.
Coding change: c.883G>T on transcript NM_000057.4 (MANE Select); coding-DNA position 883, G replaced by T.
Protein change: p.Asp295Tyr; replaces aspartic acid 295 with tyrosine.
Molecular consequence: missense variant. On other transcripts: 5 prime UTR variant (1).
Genome position (GRCh38, 1-based): chr15:90,751,870, G>T. VCF-style: chr15-90751870-G-T. GRCh37 (hg19) VCF-style: chr15-91295100-G-T.
Other names: c.883G>T, p.Asp295Tyr (NM_001287246.2, NM_001287247.2); c.-409G>T (NM_001287248.2); short protein forms D295Y.
Identifiers: ClinVar variation 570334 (VCV000570334.20), dbSNP rs146096923, ClinGen allele CA7738380.